The following is an entry in ClinVar:

ClinVar aggregate classification (germline): Uncertain significance (1 of 4 stars; one submission).

Submission:

Labcorp Genetics (formerly Invitae), Labcorp
Classification: Uncertain significance. Last evaluated: 2024-08-06. Review status: criteria provided, single submitter. Criteria: Invitae Variant Classification Sherloc (09022015). Collection method: clinical testing. Allele origin: germline.
Comment: This sequence change creates a premature translational stop signal (p.Ser427*) in the IKZF1 gene. While this is not anticipated to result in nonsense mediated decay, it is expected to disrupt the last 93 amino acid(s) of the IKZF1 protein. This variant is not present in population databases (gnomAD no frequency). This premature translational stop signal has been observed in individual(s) with clinical features of IKZF1-related conditions (PMID: 32845957). Algorithms developed to predict the effect of variants on gene product structure and function are not available or were not evaluated for this variant. Experimental studies have shown that this premature translational stop signal affects IKZF1 function (PMID: 32845957). In summary, the available evidence is currently insufficient to determine the role of this variant in disease. Therefore, it has been classified as a Variant of Uncertain Significance.

Literature cited by the submitters: PubMed 32845957.

NM_006060.6(IKZF1):c.1280C>A (p.Ser427Ter)

Gene: IKZF1 (IKAROS family zinc finger 1; plus strand). Cytogenetic location: 7p12.2.
Variant type: single nucleotide variant.
Coding change: c.1280C>A on transcript NM_006060.6 (MANE Select); coding-DNA position 1280, C replaced by A.
Protein change: p.Ser427Ter; replaces serine 427 with a stop codon.
Molecular consequence: nonsense.
Genome position (GRCh38, 1-based): chr7:50,400,347, C>A. VCF-style: chr7-50400347-C-A. GRCh37 (hg19) VCF-style: chr7-50468045-C-A.
Other names: c.1154C>A, p.Ser385Ter (NM_001220765.3, NM_001291837.2); c.989C>A, p.Ser330Ter (NM_001220767.2); c.1019C>A, p.Ser340Ter (NM_001220768.2, NM_001291838.2); c.863C>A, p.Ser288Ter (NM_001220770.2); c.851C>A, p.Ser284Ter (NM_001220771.2, NM_001291841.1); c.893C>A, p.Ser298Ter (NM_001291839.2); c.590C>A, p.Ser197Ter (NM_001291840.1); c.821C>A, p.Ser274Ter (NM_001291842.1); and 3 more; short protein forms S284*, S288*, S340*, S427*, S232*, S242*, S274*, S298*.
Identifiers: ClinVar variation 3677063 (VCV003677063.2).